The following is an entry in ClinVar:

NM_000814.6(GABRB3):c.742C>G (p.Leu248Val)

Gene: GABRB3 (gamma-aminobutyric acid type A receptor subunit beta3; minus strand). Cytogenetic location: 15q12.
Variant type: single nucleotide variant.
Coding change: c.742C>G on transcript NM_000814.6 (MANE Select); coding-DNA position 742, C replaced by G.
Protein change: p.Leu248Val; replaces leucine 248 with valine.
Molecular consequence: missense variant.
Genome position (GRCh38, 1-based): chr15:26,567,674, G>C on the plus strand (C>G on the coding strand, the complement: GABRB3 is on the minus strand). VCF-style: chr15-26567674-G-C. GRCh37 (hg19) VCF-style: chr15-26812821-G-C.
Other names: c.487C>G, p.Leu163Val (NM_001191320.2, NM_001278631.2); c.529C>G, p.Leu177Val (NM_001191321.3); c.742C>G, p.Leu248Val (NM_021912.5); short protein forms L163V, L177V, L248V.
Identifiers: ClinVar variation 3370949 (VCV003370949.1).

ClinVar aggregate classification (germline): Uncertain significance (1 of 4 stars; one submission).

Submission:

GeneDx
Classification: Uncertain significance. Last evaluated: 2024-03-18. Review status: criteria provided, single submitter. Criteria: GeneDx Variant Classification Process June 2021. Collection method: clinical testing. Allele origin: germline. Affected: yes.
Comment: Not observed at significant frequency in large population cohorts (gnomAD); In silico analysis supports that this missense variant does not alter protein structure/function; Has not been previously published as pathogenic or benign to our knowledge